The following is an entry in ClinVar:

ClinVar aggregate classification (germline): Uncertain significance (1 of 4 stars; one submission).

gnomAD v4.1: 4 of 1,552,426 alleles (0.00026%); highest among the groups gnomAD compares: Middle Eastern, 0.017%; no homozygotes.

Submission:

GeneDx
Classification: Uncertain significance. Last evaluated: 2024-05-06. Review status: criteria provided, single submitter. Criteria: GeneDx Variant Classification Process June 2021. Collection method: clinical testing. Allele origin: germline. Affected: yes.
Comment: Not observed at significant frequency in large population cohorts (gnomAD); In silico analysis indicates that this missense variant does not alter protein structure/function; Has not been previously published as pathogenic or benign to our knowledge

NM_001378609.3(OTOGL):c.3031G>A (p.Glu1011Lys)

Gene: OTOGL (otogelin like; plus strand). Cytogenetic location: 12q21.31.
Variant type: single nucleotide variant.
Coding change: c.3031G>A on transcript NM_001378609.3 (MANE Select); coding-DNA position 3031, G replaced by A.
Protein change: p.Glu1011Lys; replaces glutamic acid 1011 with lysine.
Molecular consequence: missense variant. On other transcripts: intron variant (1).
Genome position (GRCh38, 1-based): chr12:80,296,929, G>A. VCF-style: chr12-80296929-G-A. GRCh37 (hg19) VCF-style: chr12-80690709-G-A.
Other names: c.3031G>A, p.Glu1011Lys (NM_001378610.3, NM_173591.7); c.2929-5705G>A (NM_001368062.3); short protein forms E1011K.
Identifiers: ClinVar variation 3375932 (VCV003375932.1).